The following is an entry in ClinVar:

NM_005343.4(HRAS):c.445C>T (p.Arg149Trp)

Genes: HRAS (HRas proto-oncogene, GTPase; minus strand), LRRC56 (leucine rich repeat containing 56; plus strand). Cytogenetic location: 11p15.5.
Variant type: single nucleotide variant.
Coding change: c.445C>T on transcript NM_005343.4 (MANE Select); coding-DNA position 445, C replaced by T.
Protein change: p.Arg149Trp; replaces arginine 149 with tryptophan.
Molecular consequence: missense variant. On other transcripts: synonymous variant (1).
Genome position (GRCh38, 1-based): chr11:533,458, G>A on the plus strand (C>T on the coding strand, the complement: HRAS is on the minus strand). VCF-style: chr11-533458-G-A. GRCh37 (hg19) VCF-style: chr11-533458-G-A.
Other names: c.445C>T, p.Arg149Trp (NM_001130442.3, NM_176795.5); c.126C>T, p.Pro42= (NM_001318054.2); short protein forms R149W.
Identifiers: ClinVar variation 503536 (VCV000503536.17), dbSNP rs1554884750, ClinGen allele CA378922736.

ClinVar aggregate classification (germline): Uncertain significance. Review status: criteria provided, multiple submitters, no conflicts (2 of 4 stars). 3 submissions from 3 submitters: Uncertain significance (3). Last evaluated 2025-07-30.

Conditions:
Costello syndrome (CSTLO). Also called: HRAS-Related Costello Syndrome; FACIOCUTANEOSKELETAL SYNDROME; FCS SYNDROME. Identifiers: Orphanet 3071, MedGen C0587248, MONDO:0009026, OMIM 218040.

Allele frequency attached by ClinVar (database versions not stated): TOPMed 0.00001.
gnomAD v4.1: 2 of 1,613,270 alleles (0.00012%); highest among the groups gnomAD compares: East Asian, 0.0022%; no homozygotes.

Submissions (3):

Labcorp Genetics (formerly Invitae), Labcorp
Classification: Uncertain significance for Costello syndrome. Last evaluated: 2025-07-30. Review status: criteria provided, single submitter. Criteria: Invitae Variant Classification Sherloc (09022015). Collection method: clinical testing. Allele origin: germline.
Comment: This sequence change replaces arginine, which is basic and polar, with tryptophan, which is neutral and slightly polar, at codon 149 of the HRAS protein (p.Arg149Trp). This variant is not present in population databases (gnomAD no frequency). This variant has not been reported in the literature in individuals affected with HRAS-related conditions. ClinVar contains an entry for this variant (Variation ID: 503536). Invitae Evidence Modeling incorporating data from in vitro experimental studies (internal data) indicates that this missense variant is expected to disrupt HRAS function with a positive predictive value of 95%. In summary, the available evidence is currently insufficient to determine the role of this variant in disease. Therefore, it has been classified as a Variant of Uncertain Significance.

GeneDx
Classification: Uncertain significance. Last evaluated: 2024-06-11. Review status: criteria provided, single submitter. Criteria: GeneDx Variant Classification Process June 2021. Collection method: clinical testing. Allele origin: germline. Affected: yes.
Comment: Not observed at significant frequency in large population cohorts (gnomAD); Missense variants in this gene are a common cause of disease and they are underrepresented in the general population; In silico analysis supports that this missense variant has a deleterious effect on protein structure/function; Has not been previously reported as pathogenic or benign to our knowledge

Laboratory for Molecular Medicine, Mass General Brigham Personalized Medicine
Classification: Uncertain significance. Last evaluated: 2018-02-28. Review status: criteria provided, single submitter. Criteria: LMM Criteria. Collection method: clinical testing. Allele origin: germline.
Comment: Disclaimer: This variant has not undergone full assessment. The following are preliminary notes: Gnomad- 11-533458-G-A good coverage but absent; Not in ClinVar, google search or HGMD; well conserved; probably damaging by polyphen